The following is an entry in ClinVar:

NM_000238.4(KCNH2):c.1404C>T (p.Leu468=)

Gene: KCNH2 (potassium voltage-gated channel subfamily H member 2; minus strand). Cytogenetic location: 7q36.1.
Variant type: single nucleotide variant.
Coding change: c.1404C>T on transcript NM_000238.4 (MANE Select); coding-DNA position 1404, C replaced by T.
Protein change: p.Leu468=; no amino-acid change (leucine 468 retained).
Molecular consequence: synonymous variant. On other transcripts: non-coding transcript variant (2).
Genome position (GRCh38, 1-based): chr7:150,952,578, G>A on the plus strand (C>T on the coding strand, the complement: KCNH2 is on the minus strand). VCF-style: chr7-150952578-G-A. GRCh37 (hg19) VCF-style: chr7-150649666-G-A.
Other names: c.384C>T, p.Leu128= (NM_001204798.2, NM_172057.3); c.1116C>T, p.Leu372= (NM_001406753.1, NM_001406756.1); c.1227C>T, p.Leu409= (NM_001406755.1); c.1104C>T, p.Leu368= (NM_001406757.1); c.1404C>T, p.Leu468= (NM_172056.3).
Identifiers: ClinVar variation 792669 (VCV000792669.16), dbSNP rs1448964607, ClinGen allele CA458871648.
Genomic context (GRCh38, chr7:150,952,578, plus strand): 5'-GCGGCCGGGGTGGCTGACCACCTCCTCGTTGGCATTGACGTAGGTGGTGCGGAAGTTGAT[G>A]AGGATGTCCACAATGAACATGATGTCCACGATGAGGTCCACCACAGCCAGCGGCTGGCAG-3'
Protein context (NP_000229.1, residues 458-478): IVDIMFIVDI[Leu468=]INFRTTYVNA

ClinVar aggregate classification (germline): Likely benign. Review status: criteria provided, multiple submitters, no conflicts (2 of 4 stars). 3 submissions from 3 submitters: Likely benign (3). Last evaluated 2026-01-12.

Conditions:
Cardiac arrhythmia. Also called: Cardiac rhythm disease; Arrhythmia. Identifiers: MedGen C0003811, MONDO:0007263, HP:0011675.
Long QT syndrome (LQTS). Identifiers: MedGen C0023976, MeSH D008133, MONDO:0002442. Disease mechanism: loss of function. Inheritance: Various modes of inheritance.

Allele frequency attached by ClinVar (database versions not stated): gnomAD exomes 0.00001.
gnomAD v4.1: 2 of 1,614,226 alleles (0.00012%); highest among the groups gnomAD compares: Non-Finnish European, 0.00017%; no homozygotes.

Submissions (3):

Labcorp Genetics (formerly Invitae), Labcorp
Classification: Likely benign for Long QT syndrome. Last evaluated: 2026-01-12. Review status: criteria provided, single submitter. Criteria: Invitae Variant Classification Sherloc (09022015). Collection method: clinical testing. Allele origin: germline.

All of Us Research Program, National Institutes of Health
Classification: Likely benign for Long QT syndrome. Last evaluated: 2023-11-27. Review status: criteria provided, single submitter. Criteria: ACMG Guidelines, 2015. Collection method: clinical testing. Allele origin: germline. Inheritance: Autosomal dominant inheritance. Observed: 4 variant alleles, 4 heterozygotes.
Comment: This study involves interpretation of variants in research participants for the purpose of population health screening. Participant phenotype was not available at the time of variant classification. Additional details can be found in publication PMID: 35346344, PMCID: PMC8962531

Color Diagnostics, LLC DBA Color Health
Classification: Likely benign for Cardiac arrhythmia. Last evaluated: 2020-07-27. Review status: criteria provided, single submitter. Criteria: ACMG Guidelines, 2015. Collection method: clinical testing. Allele origin: germline.